The following is an entry in ClinVar:

ClinVar aggregate classification (germline): Uncertain significance (1 of 4 stars; one submission).

Allele frequency attached by ClinVar (database versions not stated): gnomAD exomes below 0.00001; gnomAD 0.00002; TOPMed 0.00002.
gnomAD v4.1: 5 of 1,614,016 alleles (0.00031%); highest among the groups gnomAD compares: African/African-American, 0.0067%; no homozygotes.

Submission:

Labcorp Genetics (formerly Invitae), Labcorp
Classification: Uncertain significance. Last evaluated: 2024-12-16. Review status: criteria provided, single submitter. Criteria: Invitae Variant Classification Sherloc (09022015). Collection method: clinical testing. Allele origin: germline.
Comment: This sequence change replaces serine, which is neutral and polar, with arginine, which is basic and polar, at codon 762 of the DSG1 protein (p.Ser762Arg). This variant is present in population databases (no rsID available, gnomAD 0.01%). This variant has not been reported in the literature in individuals affected with DSG1-related conditions. ClinVar contains an entry for this variant (Variation ID: 1909848). Invitae Evidence Modeling of protein sequence and biophysical properties (such as structural, functional, and spatial information, amino acid conservation, physicochemical variation, residue mobility, and thermodynamic stability) indicates that this missense variant is not expected to disrupt DSG1 protein function with a negative predictive value of 80%. In summary, the available evidence is currently insufficient to determine the role of this variant in disease. Therefore, it has been classified as a Variant of Uncertain Significance.

NM_001942.4(DSG1):c.2286C>A (p.Ser762Arg)

Genes: DSG1 (desmoglein 1; plus strand), DSG1-AS1 (DSG1 antisense RNA 1; minus strand), LOC126862720 (MED14-independent group 3 enhancer GRCh37_chr18:28933613-28934812; plus strand). Cytogenetic location: 18q12.1.
Variant type: single nucleotide variant.
Coding change: c.2286C>A on transcript NM_001942.4 (MANE Select); coding-DNA position 2286, C replaced by A.
Protein change: p.Ser762Arg; replaces serine 762 with arginine.
Molecular consequence: missense variant.
Genome position (GRCh38, 1-based): chr18:31,354,482, C>A. VCF-style: chr18-31354482-C-A. GRCh37 (hg19) VCF-style: chr18-28934445-C-A.
Other names: short protein forms S762R.
Identifiers: ClinVar variation 1909848 (VCV001909848.5), dbSNP rs1288428132, ClinGen allele CA402121929.